The following is an entry in ClinVar:

ClinVar aggregate classification (germline): Likely benign (1 of 4 stars; one submission).

Submission:

CeGaT Center for Human Genetics Tuebingen
Classification: Likely benign. Last evaluated: 2026-06-01. Review status: criteria provided, single submitter. Criteria: CeGaT Center For Human Genetics Tuebingen Variant Classification Criteria Version 2. Collection method: clinical testing. Allele origin: germline. Affected: yes. Observed: 1 variant allele.
Comment: MASP1: PM2:Supporting, BP4, BP7

NM_001879.6(MASP1):c.1437T>A (p.Leu479=)

Gene: MASP1 (MBL associated serine protease 1; minus strand). Cytogenetic location: 3q27.3.
Variant type: single nucleotide variant.
Coding change: c.1437T>A on transcript NM_001879.6 (MANE Plus Clinical); coding-DNA position 1437, T replaced by A.
Protein change: p.Leu479=; no amino-acid change (leucine 479 retained).
Molecular consequence: synonymous variant.
Genome position (GRCh38, 1-based): chr3:187,229,764, A>T on the plus strand (T>A on the coding strand, the complement: MASP1 is on the minus strand). VCF-style: chr3-187229764-A-T. GRCh37 (hg19) VCF-style: chr3-186947552-A-T.
Identifiers: ClinVar variation 4875070 (VCV004875070.2).